The following is an entry in ClinVar:

ClinVar aggregate classification (germline): Likely benign. Review status: criteria provided, multiple submitters, no conflicts (2 of 4 stars). 2 submissions from 2 submitters: Likely benign (2). Last evaluated 2023-11-21.

Conditions:
Fanconi anemia (FA). Also called: Fanconi's anemia. Identifiers: Orphanet 84, MedGen C0015625, MeSH D005199, MONDO:0019391.

Allele frequency attached by ClinVar (database versions not stated): gnomAD exomes below 0.00001 and 0.00001; TOPMed below 0.00001.
gnomAD v4.1: 20 of 1,610,304 alleles (0.0012%); highest among the groups gnomAD compares: Admixed American, 0.0017%; no homozygotes.

Submissions (2):

Labcorp Genetics (formerly Invitae), Labcorp
Classification: Likely benign for Fanconi anemia. Last evaluated: 2023-11-21. Review status: criteria provided, single submitter. Criteria: Invitae Variant Classification Sherloc (09022015). Collection method: clinical testing. Allele origin: germline.

GeneDx
Classification: Likely benign. Last evaluated: 2017-05-02. Review status: criteria provided, single submitter. Criteria: GeneDx Variant Classification (06012015). Collection method: clinical testing. Allele origin: germline. Affected: yes.
Comment: This variant is considered likely benign or benign based on one or more of the following criteria: it is a conservative change, it occurs at a poorly conserved position in the protein, it is predicted to be benign by multiple in silico algorithms, and/or has population frequency not consistent with disease.

NM_000136.3(FANCC):c.1073-18A>C

Genes: AOPEP (aminopeptidase O (putative); plus strand), FANCC (FA complementation group C; minus strand). Cytogenetic location: 9q22.32.
Variant type: single nucleotide variant.
Coding change: c.1073-18A>C on transcript NM_000136.3 (MANE Select); 18 bases into the intron before coding-DNA position 1073, A replaced by C.
Molecular consequence: intron variant.
Genome position (GRCh38, 1-based): chr9:95,114,728, T>G on the plus strand (A>C on the coding strand, the complement: FANCC is on the minus strand). VCF-style: chr9-95114728-T-G. GRCh37 (hg19) VCF-style: chr9-97877010-T-G.
Other names: c.1073-18A>C (NM_001243743.2, NM_001243744.2).
Identifiers: ClinVar variation 234552 (VCV000234552.8), dbSNP rs876661081, ClinGen allele CA10577375.